The following is an entry in ClinVar:

ClinVar aggregate classification (germline): Benign/Likely benign. Review status: criteria provided, multiple submitters, no conflicts (2 of 4 stars). 4 submissions from 4 submitters: Benign (1); Likely benign (3). Last evaluated 2024-05-14.

Conditions:
Hereditary cancer-predisposing syndrome. Also called: Hereditary Cancer Syndrome; Hereditary neoplastic syndrome; Neoplastic Syndromes, Hereditary; Tumor predisposition. Identifiers: Orphanet 140162, MedGen C0027672, MeSH D009386, MONDO:0015356.
Familial cancer of breast. Also called: hereditary breast carcinoma; BREAST CANCER, FAMILIAL; Hereditary breast cancer. Identifiers: Orphanet 227535, MedGen C0346153, MONDO:0016419, OMIM 114480. Disease mechanism: loss of function.
Ataxia-telangiectasia syndrome (AT). Also called: Ataxia-telangiectasia, complementation group E; LOUIS-BAR SYNDROME; Cerebello-oculocutaneous telangiectasia; Immunodeficiency with ataxia telangiectasia; Ataxia-telangiectasia, complementation group D; AT, COMPLEMENTATION GROUP C. Identifiers: Orphanet 100, MedGen C0004135, MONDO:0008840, OMIM 208900.

Allele frequency attached by ClinVar (database versions not stated): gnomAD exomes below 0.00001 and 0.00001; ExAC 0.00001.
gnomAD v4.1: 10 of 1,613,934 alleles (0.00062%); highest among the groups gnomAD compares: South Asian, 0.0011%; no homozygotes.

Submissions (4):

Labcorp Genetics (formerly Invitae), Labcorp
Classification: Likely benign for Ataxia-telangiectasia syndrome. Last evaluated: 2024-05-14. Review status: criteria provided, single submitter. Criteria: Invitae Variant Classification Sherloc (09022015). Collection method: clinical testing. Allele origin: germline.

Myriad Genetics, Inc.
Classification: Benign for Familial cancer of breast. Last evaluated: 2024-05-07. Review status: criteria provided, single submitter. Criteria: Myriad Autosomal Dominant, Autosomal Recessive and X-Linked Classification Criteria (2023). Collection method: clinical testing. Allele origin: unknown.
Comment: This variant is considered benign. This variant is a silent/synonymous amino acid change and it is not expected to impact splicing.

Ambry Genetics
Classification: Likely benign for Hereditary cancer-predisposing syndrome. Last evaluated: 2021-01-24. Review status: criteria provided, single submitter. Criteria: Ambry Variant Classification Scheme 2023. Collection method: clinical testing. Allele origin: germline.

Color Diagnostics, LLC DBA Color Health
Classification: Likely benign for Hereditary cancer-predisposing syndrome. Last evaluated: 2018-11-01. Review status: criteria provided, single submitter. Criteria: ACMG Guidelines, 2015. Collection method: clinical testing. Allele origin: germline.

NM_000051.4(ATM):c.2097A>G (p.Glu699=)

Gene: ATM (ATM serine/threonine kinase; plus strand). Cytogenetic location: 11q22.3.
Variant type: single nucleotide variant.
Coding change: c.2097A>G on transcript NM_000051.4 (MANE Select); coding-DNA position 2097, A replaced by G.
Protein change: p.Glu699=; no amino-acid change (glutamic acid 699 retained).
Molecular consequence: synonymous variant.
Genome position (GRCh38, 1-based): chr11:108,254,012, A>G. VCF-style: chr11-108254012-A-G. GRCh37 (hg19) VCF-style: chr11-108124739-A-G.
Other names: c.2097A>G, p.Glu699= (NM_001351834.2).
Identifiers: ClinVar variation 924970 (VCV000924970.14), dbSNP rs777887012, ClinGen allele CA6264928.